The following is an entry in ClinVar:

ClinVar aggregate classification (germline): Conflicting classifications of pathogenicity. Review status: criteria provided, conflicting classifications (1 of 4 stars). 6 submissions from 6 submitters: Uncertain significance (2); Benign (2); Likely benign (1). 1 of the submissions does not count toward it. Last evaluated 2025-12-04.

Conditions:
Hereditary cancer-predisposing syndrome. Also called: Tumor predisposition; Hereditary neoplastic syndrome; Neoplastic Syndromes, Hereditary; Hereditary Cancer Syndrome. Identifiers: Orphanet 140162, MedGen C0027672, MeSH D009386, MONDO:0015356.
Ovarian cancer. Also called: OVARIAN CANCER, SOMATIC. Identifiers: Orphanet 213500, MedGen C1140680, MONDO:0008170, OMIM 167000.
EGFR-related lung cancer (EGFR). Identifiers: MedGen CN130014.

Allele frequency attached by ClinVar (database versions not stated): ExAC 0.00001; gnomAD 0.00001; gnomAD exomes 0.00002; TOPMed 0.00002.
gnomAD v4.1: 28 of 1,614,160 alleles (0.0017%); highest among the groups gnomAD compares: Admixed American, 0.0083%; no homozygotes.

Submissions (6):

Labcorp Genetics (formerly Invitae), Labcorp
Classification: Uncertain significance for EGFR-related lung cancer. Last evaluated: 2025-12-04. Review status: criteria provided, single submitter. Criteria: Invitae Variant Classification Sherloc (09022015). Collection method: clinical testing. Allele origin: germline.
Comment: This sequence change replaces valine, which is neutral and non-polar, with isoleucine, which is neutral and non-polar, at codon 524 of the EGFR protein (p.Val524Ile). This variant is present in population databases (rs587778249, gnomAD 0.009%). This variant has not been reported in the literature in individuals affected with EGFR-related conditions. ClinVar contains an entry for this variant (Variation ID: 134022). Invitae Evidence Modeling of protein sequence and biophysical properties (such as structural, functional, and spatial information, amino acid conservation, physicochemical variation, residue mobility, and thermodynamic stability) indicates that this missense variant is not expected to disrupt EGFR protein function with a negative predictive value of 80%. In summary, the available evidence is currently insufficient to determine the role of this variant in disease. Therefore, it has been classified as a Variant of Uncertain Significance.

Ambry Genetics
Classification: Likely benign for Hereditary cancer-predisposing syndrome. Last evaluated: 2025-01-03. Review status: criteria provided, single submitter. Criteria: Ambry Variant Classification Scheme 2023. Collection method: clinical testing. Allele origin: germline.

Mayo Clinic Laboratories, Mayo Clinic
Classification: Uncertain significance. Last evaluated: 2024-03-27. Review status: criteria provided, single submitter. Criteria: ACMG Guidelines, 2015. Collection method: clinical testing. Allele origin: germline. Observed: 1 variant allele.
Comment: BP4

Mendelics
Classification: Benign. Last evaluated: 2022-05-04. Review status: criteria provided, single submitter. Criteria: Mendelics Assertion Criteria 2019. Collection method: clinical testing. Allele origin: germline.

Laboratory of Molecular Epidemiology of Birth Defects, West China Second University Hospital, Sichuan University
Classification: Benign for Ovarian cancer. Last evaluated: 2022-01-01. Review status: criteria provided, single submitter. Criteria: ACMG Guidelines, 2015. Collection method: clinical testing. Allele origin: germline. Affected: yes.

ITMI
No classification provided. Condition: AllHighlyPenetrant. Last evaluated: 2013-09-19. Review status: no classification provided. Collection method: reference population. Allele origin: germline. Not counted in ClinVar's aggregate classification.
Comment: Please see associated publication for description of ethnicities

Literature cited by the submitters: PubMed 24728327 (cited by ITMI).

NM_005228.5(EGFR):c.1570G>A (p.Val524Ile)

Gene: EGFR (epidermal growth factor receptor; plus strand). Cytogenetic location: 7p11.2.
Variant type: single nucleotide variant.
Coding change: c.1570G>A on transcript NM_005228.5 (MANE Select); coding-DNA position 1570, G replaced by A.
Protein change: p.Val524Ile; replaces valine 524 with isoleucine.
Molecular consequence: missense variant.
Genome position (GRCh38, 1-based): chr7:55,161,570, G>A. VCF-style: chr7-55161570-G-A. GRCh37 (hg19) VCF-style: chr7-55229263-G-A.
Other names: p.Val524Ile; c.1570G>A, p.Val524Ile (NM_001346898.2, NM_201282.2, NM_201284.2); c.1435G>A, p.Val479Ile (NM_001346899.2, NM_001346897.2); c.769G>A, p.Val257Ile (NM_001346941.2); c.1411G>A, p.Val471Ile (NM_001346900.2); c.1570G>A (NM_005228.4); short protein forms V524I, V471I, V479I, V257I.
Identifiers: ClinVar variation 134022 (VCV000134022.12), dbSNP rs587778249, ClinGen allele CA158444.